The following is an entry in ClinVar:

NM_058004.4(PI4KA):c.351A>G (p.Thr117=)

Gene: PI4KA (phosphatidylinositol 4-kinase alpha; minus strand). Cytogenetic location: 22q11.21.
Variant type: single nucleotide variant.
Coding change: c.351A>G on transcript NM_058004.4 (MANE Select); coding-DNA position 351, A replaced by G.
Protein change: p.Thr117=; no amino-acid change (threonine 117 retained).
Molecular consequence: synonymous variant.
Genome position (GRCh38, 1-based): chr22:20,834,578, T>C on the plus strand (A>G on the coding strand, the complement: PI4KA is on the minus strand). VCF-style: chr22-20834578-T-C. GRCh37 (hg19) VCF-style: chr22-21188866-T-C.
Other names: c.351A>G, p.Thr117= (NM_001362862.2, NM_001362863.2).
Identifiers: ClinVar variation 3030265 (VCV003030265.2), dbSNP rs148755448, ClinGen allele CA10116851.

ClinVar aggregate classification (germline): Likely benign (0 of 4 stars; one submission).

Conditions:
PI4KA-related disorder. Also called: PI4KA-related condition; PI4KA-related disorders. Identifiers: MedGen CN378147, MONDO:1040012.

Allele frequency attached by ClinVar (database versions not stated): gnomAD exomes 0.00002; ExAC 0.00010; TOPMed 0.00031; gnomAD 0.00035; ESP Exome Variant Server 0.00046.
gnomAD v4.1: 84 of 1,602,644 alleles (0.0052%); highest among the groups gnomAD compares: African/African-American, 0.098%; no homozygotes.

Submission:

PreventionGenetics, part of Exact Sciences
Classification: Likely benign for PI4KA-related condition. Last evaluated: 2021-02-23. Review status: no assertion criteria provided. Collection method: clinical testing. Allele origin: germline.
Comment: This variant is classified as likely benign based on ACMG/AMP sequence variant interpretation guidelines (Richards et al. 2015 PMID: 25741868, with internal and published modifications).